The following is an entry in ClinVar:

ClinVar aggregate classification (germline): Benign (1 of 4 stars; one submission).

Allele frequency attached by ClinVar (database versions not stated): 1000 Genomes Project 30x 0.09432; 1000 Genomes Project 0.09744; TOPMed 0.09861; gnomAD 0.10978 and 0.11157; gnomAD exomes 0.12482.
gnomAD v4.1: 122,020 of 994,470 alleles (12%); highest among the groups gnomAD compares: East Asian, 16%; 8,363 homozygotes.

Submission:

GeneDx
Classification: Benign. Last evaluated: 2018-06-19. Review status: criteria provided, single submitter. Criteria: GeneDx Variant Classification (06012015). Collection method: clinical testing. Allele origin: germline. Affected: yes.
Comment: This variant is considered likely benign or benign based on one or more of the following criteria: it is a conservative change, it occurs at a poorly conserved position in the protein, it is predicted to be benign by multiple in silico algorithms, and/or has population frequency not consistent with disease.

NM_014694.4(ADAMTSL2):c.939+119C>T

Gene: ADAMTSL2 (ADAMTS like 2; plus strand). Cytogenetic location: 9q34.2.
Variant type: single nucleotide variant.
Coding change: c.939+119C>T on transcript NM_014694.4 (MANE Select); 119 bases into the intron after coding-DNA position 939, C replaced by T.
Molecular consequence: intron variant.
Genome position (GRCh38, 1-based): chr9:133,547,332, C>T. VCF-style: chr9-133547332-C-T. GRCh37 (hg19) VCF-style: chr9-136412454-C-T.
Other names: c.939+119C>T (NM_001145320.2).
Identifiers: ClinVar variation 680521 (VCV000680521.1), dbSNP rs2073880, ClinGen allele CA12974273.